The following is an entry in ClinVar:

ClinVar aggregate classification (germline): Uncertain significance. Review status: criteria provided, multiple submitters, no conflicts (2 of 4 stars). 6 submissions from 6 submitters: Uncertain significance (6). Last evaluated 2025-11-27.

Conditions:
Hereditary cancer-predisposing syndrome. Also called: Hereditary neoplastic syndrome; Tumor predisposition; Neoplastic Syndromes, Hereditary; Hereditary Cancer Syndrome. Identifiers: Orphanet 140162, MedGen C0027672, MeSH D009386, MONDO:0015356.
Hereditary nonpolyposis colorectal neoplasms. Identifiers: MedGen C0009405, MeSH D003123.
Lynch syndrome 4 (LYNCH4). Also called: Hereditary non-polyposis colorectal cancer, type 4; Colorectal cancer, hereditary nonpolyposis, type 4. Identifiers: Orphanet 144, MedGen C1838333, MONDO:0013699, OMIM 614337. Disease mechanism: loss of function.

Allele frequency attached by ClinVar (database versions not stated): gnomAD exomes below 0.00001; ExAC 0.00001; gnomAD 0.00002; TOPMed 0.00002; ESP Exome Variant Server 0.00008.

Submissions (6):

Labcorp Genetics (formerly Invitae), Labcorp
Classification: Uncertain significance for Hereditary nonpolyposis colorectal neoplasms. Last evaluated: 2025-11-27. Review status: criteria provided, single submitter. Criteria: Invitae Variant Classification Sherloc (09022015). Collection method: clinical testing. Allele origin: germline.
Comment: This sequence change replaces serine, which is neutral and polar, with cysteine, which is neutral and slightly polar, at codon 500 of the PMS2 protein (p.Ser500Cys). This variant is present in population databases (rs375905814, gnomAD 0.007%). This variant has not been reported in the literature in individuals affected with PMS2-related conditions. ClinVar contains an entry for this variant (Variation ID: 419358). Invitae Evidence Modeling incorporating data from in vitro experimental studies (internal data) indicates that this missense variant is not expected to disrupt PMS2 function with a negative predictive value of 95%. In summary, the available evidence is currently insufficient to determine the role of this variant in disease. Therefore, it has been classified as a Variant of Uncertain Significance.

Quest Diagnostics Nichols Institute San Juan Capistrano
Classification: Uncertain significance. Last evaluated: 2025-09-25. Review status: criteria provided, single submitter. Criteria: Quest Diagnostics criteria. Collection method: clinical testing. Allele origin: unknown.
Comment: The PMS2 c.1499C>G (p.Ser500Cys) variant has not been reported in individuals with PMS2-related conditions in the published literature. The frequency of this variant in the general population (Genome Aggregation Database) is uninformative in the assessment of its pathogenicity. Analysis of this variant using bioinformatics tools for the prediction of the effect of amino acid changes on protein structure and function yielded conflicting predictions that this variant is benign or damaging. Based on the available information, we are unable to determine the clinical significance of this variant.

Baylor Genetics
Classification: Uncertain significance for Lynch syndrome 4. Last evaluated: 2024-01-25. Review status: criteria provided, single submitter. Criteria: ACMG Guidelines, 2015. Collection method: clinical testing. Allele origin: unknown.

Ambry Genetics
Classification: Uncertain significance for Hereditary cancer-predisposing syndrome. Last evaluated: 2024-01-09. Review status: criteria provided, single submitter. Criteria: Ambry Variant Classification Scheme 2023. Collection method: clinical testing. Allele origin: germline.
Comment: The p.S500C variant (also known as c.1499C>G), located in coding exon 11 of the PMS2 gene, results from a C to G substitution at nucleotide position 1499. The serine at codon 500 is replaced by cysteine, an amino acid with dissimilar properties. This amino acid position is not well conserved in available vertebrate species. In addition, this alteration is predicted to be tolerated by in silico analysis. Since supporting evidence is limited at this time, the clinical significance of this alteration remains unclear.

GeneDx
Classification: Uncertain significance. Last evaluated: 2023-10-23. Review status: criteria provided, single submitter. Criteria: GeneDx Variant Classification Process June 2021. Collection method: clinical testing. Allele origin: germline. Affected: yes.
Comment: Not observed at significant frequency in large population cohorts (gnomAD); In silico analysis supports that this missense variant does not alter protein structure/function; Has not been previously published as pathogenic or benign to our knowledge

Color Diagnostics, LLC DBA Color Health
Classification: Uncertain significance for Hereditary cancer-predisposing syndrome. Last evaluated: 2023-01-17. Review status: criteria provided, single submitter. Criteria: ACMG Guidelines, 2015. Collection method: clinical testing. Allele origin: germline.
Comment: This missense variant replaces serine with cysteine at codon 500 of the PMS2 protein. Computational prediction suggests that this variant may not impact protein structure and function (internally defined REVEL score threshold <= 0.5, PMID: 27666373). To our knowledge, functional studies have not been reported for this variant. This variant has not been reported in individuals affected with PMS2-related disorders in the literature. This variant has been identified in 1/251412 chromosomes in the general population by the Genome Aggregation Database (gnomAD). The available evidence is insufficient to determine the role of this variant in disease conclusively. Therefore, this variant is classified as a Variant of Uncertain Significance.

NM_000535.7(PMS2):c.1499C>G (p.Ser500Cys)

Gene: PMS2 (PMS1 homolog 2, mismatch repair system component; minus strand). Cytogenetic location: 7p22.1.
Variant type: single nucleotide variant.
Coding change: c.1499C>G on transcript NM_000535.7 (MANE Select); coding-DNA position 1499, C replaced by G.
Protein change: p.Ser500Cys; replaces serine 500 with cysteine.
Molecular consequence: missense variant. On other transcripts: non-coding transcript variant (1).
Genome position (GRCh38, 1-based): chr7:5,987,266, G>C on the plus strand (C>G on the coding strand, the complement: PMS2 is on the minus strand). VCF-style: chr7-5987266-G-C. GRCh37 (hg19) VCF-style: chr7-6026897-G-C.
Other names: c.1094C>G, p.Ser365Cys (NM_001322003.2, NM_001322004.2, NM_001322005.2 and 1 more transcripts); c.1343C>G, p.Ser448Cys (NM_001322006.2); c.1181C>G, p.Ser394Cys (NM_001322007.2, NM_001322008.2); c.938C>G, p.Ser313Cys (NM_001322010.2); c.566C>G, p.Ser189Cys (NM_001322011.2, NM_001322012.2); c.926C>G, p.Ser309Cys (NM_001322013.2); c.1499C>G, p.Ser500Cys (NM_001322014.2); c.1190C>G, p.Ser397Cys (NM_001322015.2); and 1 more; short protein forms S500C, S189C, S397C, S309C, S365C, S394C, S448C, S313C.
Identifiers: ClinVar variation 419358 (VCV000419358.20), dbSNP rs375905814, ClinGen allele CA044014.